The following is an entry in ClinVar:

NM_000426.4(LAMA2):c.6588dup (p.Ile2197fs)

Gene: LAMA2 (laminin subunit alpha 2; plus strand). Cytogenetic location: 6q22.33.
Variant type: Duplication.
Coding change: c.6588dup on transcript NM_000426.4 (MANE Select); coding-DNA position 6588, one base duplicated (T; older notation c.6588dupT).
Protein change: p.Ile2197fs; shifts the reading frame from isoleucine 2197.
Molecular consequence: frameshift variant.
Genome position (GRCh38, 1-based): chr6:129,454,169, T duplicated. VCF-style (leftmost placement, unchanged base first): chr6-129454168-C-CT. GRCh37 (hg19) VCF-style: chr6-129775313-C-CT.
Other names: c.6588dup, p.Ile2197fs (NM_001079823.2); short protein forms I2197fs.
Identifiers: ClinVar variation 2781180 (VCV002781180.4), dbSNP rs1306125686, ClinGen allele CA570054018.

ClinVar aggregate classification (germline): Pathogenic. Review status: criteria provided, multiple submitters, no conflicts (2 of 4 stars). 2 submissions from 2 submitters: Pathogenic (2). Last evaluated 2025-08-19.

Conditions:
LAMA2-related muscular dystrophy (LAMA2-RD). Also called: Laminin alpha 2-related dystrophy. Identifiers: MedGen C5679788, MONDO:0100228.

Submissions (2):

Myriad Genetics, Inc.
Classification: Pathogenic for LAMA2-related muscular dystrophy. Last evaluated: 2025-08-19. Review status: criteria provided, single submitter. Criteria: Myriad Autosomal Dominant, Autosomal Recessive and X-Linked Classification Criteria (2023). Collection method: clinical testing. Allele origin: unknown.
Comment: NM_000426.3(LAMA2):c.6588dupT(I2197Yfs*5) is expected to be pathogenic in the context of muscular dystrophy, LAMA2-related. This variant is predicted to lead to an abnormal or absent protein product due to the creation of a premature termination codon in LAMA2, a gene where loss-of-function variants are known to be pathogenic. Please note: this variant was assessed in the context of healthy population screening.

Labcorp Genetics (formerly Invitae), Labcorp
Classification: Pathogenic for LAMA2-related muscular dystrophy. Last evaluated: 2023-04-19. Review status: criteria provided, single submitter. Criteria: Invitae Variant Classification Sherloc (09022015). Collection method: clinical testing. Allele origin: germline.
Comment: This sequence change creates a premature translational stop signal (p.Ile2197Tyrfs*5) in the LAMA2 gene. It is expected to result in an absent or disrupted protein product. Loss-of-function variants in LAMA2 are known to be pathogenic (PMID: 18700894, 32904964). This variant is present in population databases (no rsID available, gnomAD 0.0009%). This premature translational stop signal has been observed in individual(s) with LAMA2-related conditions (PMID: 30055037). For these reasons, this variant has been classified as Pathogenic.

Literature cited by the submitters: PubMed 18700894 (cited by Labcorp Genetics (formerly Invitae), Labcorp); PubMed 32904964 (cited by Labcorp Genetics (formerly Invitae), Labcorp); PubMed 30055037 (cited by Labcorp Genetics (formerly Invitae), Labcorp).